The following is an entry in ClinVar:

NM_004415.4(DSP):c.938C>T (p.Ser313Phe)

Gene: DSP (desmoplakin; plus strand). Cytogenetic location: 6p24.3.
Variant type: single nucleotide variant.
Coding change: c.938C>T on transcript NM_004415.4 (MANE Select); coding-DNA position 938, C replaced by T.
Protein change: p.Ser313Phe; replaces serine 313 with phenylalanine.
Molecular consequence: missense variant.
Genome position (GRCh38, 1-based): chr6:7,565,519, C>T. VCF-style: chr6-7565519-C-T. GRCh37 (hg19) VCF-style: chr6-7565752-C-T.
Other names: c.938C>T, p.Ser313Phe (NM_001008844.3, NM_001319034.2, NM_001406591.1); short protein forms S313F.
Identifiers: ClinVar variation 2453257 (VCV002453257.4), dbSNP rs1327498059, ClinGen allele CA362674733.

ClinVar aggregate classification (germline): Uncertain significance. Review status: criteria provided, multiple submitters, no conflicts (2 of 4 stars). 2 submissions from 2 submitters: Uncertain significance (2). Last evaluated 2025-06-25.

Conditions:
Cardiovascular phenotype. Identifiers: MedGen CN230736.

Allele frequency attached by ClinVar (database versions not stated): TOPMed 0.00001.

Submissions (2):

Ambry Genetics
Classification: Uncertain significance for Cardiovascular phenotype. Last evaluated: 2025-06-25. Review status: criteria provided, single submitter. Criteria: Ambry Variant Classification Scheme 2023. Collection method: clinical testing. Allele origin: germline.
Comment: The p.S313F variant (also known as c.938C>T), located in coding exon 7 of the DSP gene, results from a C to T substitution at nucleotide position 938. The serine at codon 313 is replaced by phenylalanine, an amino acid with highly dissimilar properties. This amino acid position is highly conserved in available vertebrate species. In addition, the in silico prediction for this alteration is inconclusive. Based on the available evidence, the clinical significance of this variant remains unclear.

GeneDx
Classification: Uncertain significance. Last evaluated: 2025-02-25. Review status: criteria provided, single submitter. Criteria: GeneDx Variant Classification Process June 2021. Collection method: clinical testing. Allele origin: germline. Affected: yes.
Comment: Has not been previously published as pathogenic or benign to our knowledge; Not observed at significant frequency in large population cohorts (gnomAD); In silico analysis supports that this missense variant has a deleterious effect on protein structure/function